The following is an entry in ClinVar:

ClinVar aggregate classification (germline): Uncertain significance (1 of 4 stars; one submission).

Conditions:
Primary dilated cardiomyopathy (DCM). Also called: Dilated Cardiomyopathy. Identifiers: Orphanet 217604, MedGen C0007193, MeSH D002311, MONDO:0005021, HP:0001644. Inheritance: Various modes of inheritance.

Allele frequency attached by ClinVar (database versions not stated): TOPMed 0.00001; ExAC 0.00002.
gnomAD v4.1: 3 of 1,584,146 alleles (0.00019%); highest among the groups gnomAD compares: East Asian, 0.0045%; no homozygotes.

Submission:

Labcorp Genetics (formerly Invitae), Labcorp
Classification: Uncertain significance for Primary dilated cardiomyopathy. Last evaluated: 2023-07-16. Review status: criteria provided, single submitter. Criteria: Invitae Variant Classification Sherloc (09022015). Collection method: clinical testing. Allele origin: germline.
Comment: This sequence change falls in intron 4 of the NEBL gene. It does not directly change the encoded amino acid sequence of the NEBL protein. It affects a nucleotide within the consensus splice site. This variant is present in population databases (rs769894639, gnomAD 0.03%). This variant has not been reported in the literature in individuals affected with NEBL-related conditions. In summary, the available evidence is currently insufficient to determine the role of this variant in disease. Therefore, it has been classified as a Variant of Uncertain Significance. Variants that disrupt the consensus splice site are a relatively common cause of aberrant splicing (PMID: 17576681, 9536098). Algorithms developed to predict the effect of sequence changes on RNA splicing suggest that this variant is not likely to affect RNA splicing.

Literature cited by the submitters: PubMed 17576681; PubMed 9536098.

NM_006393.3(NEBL):c.369+4G>A

Gene: NEBL (nebulette; minus strand). Cytogenetic location: 10p12.31.
Variant type: single nucleotide variant.
Coding change: c.369+4G>A on transcript NM_006393.3 (MANE Select); 4 bases into the intron after coding-DNA position 369, G replaced by A.
Molecular consequence: intron variant.
Genome position (GRCh38, 1-based): chr10:20,888,093, C>T on the plus strand (G>A on the coding strand, the complement: NEBL is on the minus strand). VCF-style: chr10-20888093-C-T. GRCh37 (hg19) VCF-style: chr10-21177022-C-T.
Other names: c.249+73579G>A (NM_001377326.1, NM_001377327.1, NM_001377328.1); c.357+73579G>A (NM_213569.2, NM_001173484.2, NM_001377322.1); c.300+73579G>A (NM_001377324.1); c.291+73579G>A (NM_001377325.1); c.309+73579G>A (NM_001377323.1).
Identifiers: ClinVar variation 2848196 (VCV002848196.3), dbSNP rs769894639, ClinGen allele CA5433278.